The following is an entry in ClinVar:

ClinVar aggregate classification (germline): Uncertain significance (1 of 4 stars; one submission).

Submission:

GeneDx
Classification: Uncertain significance. Last evaluated: 2022-06-28. Review status: criteria provided, single submitter. Criteria: GeneDx Variant Classification Process June 2021. Collection method: clinical testing. Allele origin: germline.
Comment: Has not been previously published as pathogenic or benign to our knowledge; Canonical splice site variant in a gene for which loss of function is not a well-established mechanism of disease; Not observed at significant frequency in large population cohorts (gnomAD); Variants in candidate genes are classified as variants of uncertain significance in accordance with ACMG guidelines (Richards et al., 2015)

NM_002332.3(LRP1):c.8437+1G>C

Gene: LRP1 (LDL receptor related protein 1; plus strand). Cytogenetic location: 12q13.3.
Variant type: single nucleotide variant.
Coding change: c.8437+1G>C on transcript NM_002332.3 (MANE Select); the canonical splice donor site of the intron after coding-DNA position 8437, G replaced by C.
Molecular consequence: splice donor variant.
Genome position (GRCh38, 1-based): chr12:57,195,400, G>C. VCF-style: chr12-57195400-G-C. GRCh37 (hg19) VCF-style: chr12-57589183-G-C.
Identifiers: ClinVar variation 4976616 (VCV004976616.1).